The following is an entry in ClinVar:

NM_000548.5(TSC2):c.707T>C (p.Leu236Pro)

Gene: TSC2 (TSC complex subunit 2; plus strand). Cytogenetic location: 16p13.3.
Variant type: single nucleotide variant.
Coding change: c.707T>C on transcript NM_000548.5 (MANE Select); coding-DNA position 707, T replaced by C.
Protein change: p.Leu236Pro; replaces leucine 236 with proline.
Molecular consequence: missense variant.
Genome position (GRCh38, 1-based): chr16:2,056,702, T>C. VCF-style: chr16-2056702-T-C. GRCh37 (hg19) VCF-style: chr16-2106703-T-C.
Other names: c.707T>C, p.Leu236Pro (NM_001077183.3, NM_001114382.3, NM_001363528.2 and 3 more transcripts); c.596T>C, p.Leu199Pro (NM_001318827.2); c.560T>C, p.Leu187Pro (NM_001318829.2); c.107T>C, p.Leu36Pro (NM_001318831.2); c.740T>C, p.Leu247Pro (NM_001318832.2); short protein forms L187P, L236P, L247P, L36P, L199P.
Identifiers: ClinVar variation 826824 (VCV000826824.12), dbSNP rs1596278377, ClinGen allele CA394312705.

ClinVar aggregate classification (germline): Conflicting classifications of pathogenicity. Review status: criteria provided, conflicting classifications (1 of 4 stars). 2 submissions from 2 submitters: Likely pathogenic (1); Uncertain significance (1). Last evaluated 2021-02-14.

Conditions:
Hereditary cancer-predisposing syndrome. Also called: Neoplastic Syndromes, Hereditary; Hereditary Cancer Syndrome; Hereditary neoplastic syndrome; Tumor predisposition. Identifiers: Orphanet 140162, MedGen C0027672, MeSH D009386, MONDO:0015356.
Tuberous sclerosis 2 (TSC2). Identifiers: Orphanet 805, MedGen C1860707, MONDO:0013199, OMIM 613254.

Submissions (2):

Labcorp Genetics (formerly Invitae), Labcorp
Classification: Uncertain significance for Tuberous sclerosis 2. Last evaluated: 2021-02-14. Review status: criteria provided, single submitter. Criteria: Invitae Variant Classification Sherloc (09022015). Collection method: clinical testing. Allele origin: germline.
Comment: In summary, the available evidence is currently insufficient to determine the role of this variant in disease. Therefore, it has been classified as a Variant of Uncertain Significance. Algorithms developed to predict the effect of missense changes on protein structure and function (SIFT, PolyPhen-2, Align-GVGD) all suggest that this variant is likely to be disruptive, but these predictions have not been confirmed by published functional studies and their clinical significance is uncertain. This variant has not been reported in the literature in individuals with TSC2-related conditions. ClinVar contains an entry for this variant (Variation ID: 826824). This sequence change replaces leucine with proline at codon 236 of the TSC2 protein (p.Leu236Pro). The leucine residue is highly conserved and there is a moderate physicochemical difference between leucine and proline. This variant is not present in population databases (ExAC no frequency).

Ambry Genetics
Classification: Likely pathogenic for Hereditary cancer-predisposing syndrome. Last evaluated: 2018-09-26. Review status: criteria provided, single submitter. Criteria: Ambry Variant Classification Scheme 2023. Collection method: clinical testing. Allele origin: germline.
Comment: The p.L236P variant (also known as c.707T>C), located in coding exon 7 of the TSC2 gene, results from a T to C substitution at nucleotide position 707. The leucine at codon 236 is replaced by proline, an amino acid with similar properties. This alteration has been detected multiple individuals meeting a definite diagnosis for tuberous sclerosis and the variant segregated with disease in these families (Ambry internal data; Fokkema IF et al. Hum. Mutat. 2011 May;32:557-63). This amino acid position is highly conserved in available vertebrate species. In addition, this alteration is predicted to be deleterious by in silico analysis. Based on the majority of available evidence to date, this variant is likely to be pathogenic.

Literature cited by the submitters: PubMed 21520333 (cited by Ambry Genetics).